The following is an entry in ClinVar:

ClinVar aggregate classification (germline): Uncertain significance (1 of 4 stars; one submission).

Conditions:
LAMA2-related muscular dystrophy (LAMA2-RD). Also called: Laminin alpha 2-related dystrophy. Identifiers: MedGen C5679788, MONDO:0100228.

Submission:

Labcorp Genetics (formerly Invitae), Labcorp
Classification: Uncertain significance for LAMA2-related muscular dystrophy. Last evaluated: 2022-04-12. Review status: criteria provided, single submitter. Criteria: Invitae Variant Classification Sherloc (09022015). Collection method: clinical testing. Allele origin: germline.
Comment: In summary, the available evidence is currently insufficient to determine the role of this variant in disease. Therefore, it has been classified as a Variant of Uncertain Significance. Advanced modeling of protein sequence and biophysical properties (such as structural, functional, and spatial information, amino acid conservation, physicochemical variation, residue mobility, and thermodynamic stability) performed at Invitae indicates that this missense variant is not expected to disrupt LAMA2 protein function. This variant has not been reported in the literature in individuals affected with LAMA2-related conditions. This variant is not present in population databases (gnomAD no frequency). This sequence change replaces alanine, which is neutral and non-polar, with valine, which is neutral and non-polar, at codon 2253 of the LAMA2 protein (p.Ala2253Val).

NM_000426.4(LAMA2):c.6758C>T (p.Ala2253Val)

Gene: LAMA2 (laminin subunit alpha 2; plus strand). Cytogenetic location: 6q22.33.
Variant type: single nucleotide variant.
Coding change: c.6758C>T on transcript NM_000426.4 (MANE Select); coding-DNA position 6758, C replaced by T.
Protein change: p.Ala2253Val; replaces alanine 2253 with valine.
Molecular consequence: missense variant.
Genome position (GRCh38, 1-based): chr6:129,456,385, C>T. VCF-style: chr6-129456385-C-T. GRCh37 (hg19) VCF-style: chr6-129777530-C-T.
Other names: c.6758C>T, p.Ala2253Val (NM_001079823.2); short protein forms A2253V.
Identifiers: ClinVar variation 2125121 (VCV002125121.4), dbSNP rs2533424728, ClinGen allele CA365618189.